The following is an entry in ClinVar:

NM_001424.6(EMP2):c.134A>C (p.Asn45Thr)

Gene: EMP2 (epithelial membrane protein 2; minus strand). Cytogenetic location: 16p13.13.
Variant type: single nucleotide variant.
Coding change: c.134A>C on transcript NM_001424.6 (MANE Select); coding-DNA position 134, A replaced by C.
Protein change: p.Asn45Thr; replaces asparagine 45 with threonine.
Molecular consequence: missense variant.
Genome position (GRCh38, 1-based): chr16:10,543,605, T>G on the plus strand (A>C on the coding strand, the complement: EMP2 is on the minus strand). VCF-style: chr16-10543605-T-G. GRCh37 (hg19) VCF-style: chr16-10637462-T-G.
Other names: short protein forms N45T.
Identifiers: ClinVar variation 3675824 (VCV003675824.2).

ClinVar aggregate classification (germline): Uncertain significance (1 of 4 stars; one submission).

gnomAD v4.1: 7 of 1,614,152 alleles (0.00043%); highest among the groups gnomAD compares: Non-Finnish European, 0.00059%; no homozygotes.

Submission:

Labcorp Genetics (formerly Invitae), Labcorp
Classification: Uncertain significance. Last evaluated: 2024-12-29. Review status: criteria provided, single submitter. Criteria: Invitae Variant Classification Sherloc (09022015). Collection method: clinical testing. Allele origin: germline.
Comment: This sequence change replaces asparagine, which is neutral and polar, with threonine, which is neutral and polar, at codon 45 of the EMP2 protein (p.Asn45Thr). This variant is not present in population databases (gnomAD no frequency). This variant has not been reported in the literature in individuals affected with EMP2-related conditions. An algorithm developed to predict the effect of missense changes on protein structure and function outputs the following: PolyPhen-2: "Benign". The threonine amino acid residue is found in multiple mammalian species, which suggests that this missense change does not adversely affect protein function. In summary, the available evidence is currently insufficient to determine the role of this variant in disease. Therefore, it has been classified as a Variant of Uncertain Significance.